The following is an entry in ClinVar:

ClinVar aggregate classification (germline): Uncertain significance (1 of 4 stars; one submission).

Submission:

Ambry Genetics
Classification: Uncertain significance. Last evaluated: 2022-04-26. Review status: criteria provided, single submitter. Criteria: Ambry Variant Classification Scheme 2023. Collection method: clinical testing. Allele origin: germline.
Comment: The p.A169S variant (also known as c.505G>T), located in coding exon 1 of the EGLN2 gene, results from a G to T substitution at nucleotide position 505. The alanine at codon 169 is replaced by serine, an amino acid with similar properties. This amino acid position is conserved. In addition, this alteration is predicted to be tolerated by in silico analysis. Since supporting evidence is limited at this time, the clinical significance of this alteration remains unclear.

NM_080732.4(EGLN2):c.505G>T (p.Ala169Ser)

Genes: EGLN2 (egl-9 family hypoxia inducible factor 2; plus strand), RAB4B-EGLN2 (RAB4B-EGLN2 readthrough (NMD candidate); plus strand). Cytogenetic location: 19q13.2.
Variant type: single nucleotide variant.
Coding change: c.505G>T on transcript NM_080732.4 (MANE Select); coding-DNA position 505, G replaced by T.
Protein change: p.Ala169Ser; replaces alanine 169 with serine.
Molecular consequence: missense variant. On other transcripts: non-coding transcript variant (1).
Genome position (GRCh38, 1-based): chr19:40,801,077, G>T. VCF-style: chr19-40801077-G-T. GRCh37 (hg19) VCF-style: chr19-41306982-G-T.
Other names: c.505G>T, p.Ala169Ser (NM_053046.4); short protein forms A169S.
Identifiers: ClinVar variation 1745099 (VCV001745099.2), dbSNP rs2515994434, ClinGen allele CA405955407.